The following is an entry in ClinVar:

ClinVar aggregate classification (germline): Conflicting classifications of pathogenicity. Review status: criteria provided, conflicting classifications (1 of 4 stars). 8 submissions from 8 submitters: Uncertain significance (6); Benign (1); Likely benign (1). Last evaluated 2026-02-03.

Conditions:
Ovarian cancer. Also called: OVARIAN CANCER, SOMATIC. Identifiers: Orphanet 213500, MedGen C1140680, MONDO:0008170, OMIM 167000.
Hereditary cancer-predisposing syndrome. Also called: Hereditary neoplastic syndrome; Hereditary Cancer Syndrome; Neoplastic Syndromes, Hereditary; Tumor predisposition. Identifiers: Orphanet 140162, MedGen C0027672, MeSH D009386, MONDO:0015356.
Familial cancer of breast. Also called: hereditary breast carcinoma; Hereditary breast cancer; BREAST CANCER, FAMILIAL. Identifiers: Orphanet 227535, MedGen C0346153, MONDO:0016419, OMIM 114480. Disease mechanism: loss of function.
Breast-ovarian cancer, familial, susceptibility to, 2 (BROVCA2). Also called: BRCA2 Hereditary Breast and Ovarian Cancer. Identifiers: Orphanet 145, MedGen C2675520, MONDO:0012933, OMIM 612555. Disease mechanism: loss of function.
BRCA2-related cancer predisposition. Identifiers: MedGen CN377758, MONDO:0700269.
Hereditary breast ovarian cancer syndrome. Also called: Hereditary breast and ovarian cancer syndrome; BRCA1- and BRCA2-Associated Hereditary Breast and Ovarian Cancer; Hereditary breast and/or ovarian cancer syndrome; Hereditary breast and ovarian cancer; Breast and ovarian cancer; Hereditary breast and ovarian cancer syndrome (HBOC). Identifiers: Orphanet 145, MedGen C0677776, MeSH D061325, MONDO:0003582. Disease mechanism: loss of function.

Allele frequency attached by ClinVar (database versions not stated): gnomAD exomes 0.00001.
gnomAD v4.1: 3 of 1,614,070 alleles (0.00019%); highest among the groups gnomAD compares: East Asian, 0.0067%; no homozygotes.

Submissions (8):

Labcorp Genetics (formerly Invitae), Labcorp
Classification: Uncertain significance for Hereditary breast ovarian cancer syndrome. Last evaluated: 2026-02-03. Review status: criteria provided, single submitter. Criteria: Invitae Variant Classification Sherloc (09022015). Collection method: clinical testing. Allele origin: germline.
Comment: This sequence change replaces aspartic acid, which is acidic and polar, with glutamic acid, which is acidic and polar, at codon 1990 of the BRCA2 protein (p.Asp1990Glu). This variant is present in population databases (no rsID available, gnomAD 0.01%). This variant has not been reported in the literature in individuals affected with BRCA2-related conditions. ClinVar contains an entry for this variant (Variation ID: 419869). Invitae Evidence Modeling of protein sequence and biophysical properties (such as structural, functional, and spatial information, amino acid conservation, physicochemical variation, residue mobility, and thermodynamic stability) indicates that this missense variant is not expected to disrupt BRCA2 protein function with a negative predictive value of 95%. In summary, the available evidence is currently insufficient to determine the role of this variant in disease. Therefore, it has been classified as a Variant of Uncertain Significance.

Ambry Genetics
Classification: Uncertain significance for Hereditary cancer-predisposing syndrome. Last evaluated: 2024-10-05. Review status: criteria provided, single submitter. Criteria: Ambry Variant Classification Scheme 2023. Collection method: clinical testing. Allele origin: germline.
Comment: The p.D1990E variant (also known as c.5970T>G), located in coding exon 10 of the BRCA2 gene, results from a T to G substitution at nucleotide position 5970. The aspartic acid at codon 1990 is replaced by glutamic acid, an amino acid with highly similar properties. This variant has been identified amongst Chinese breast and ovarian cancer cohorts (Yao L et al. J Hum Genet, 2022 Nov;67:639-642; Fu K et al. Sci Rep, 2024 Mar;14:6702). This amino acid position is not well conserved in available vertebrate species. In addition, this alteration is predicted to be tolerated by in silico analysis. Based on the available evidence, the clinical significance of this variant remains unclear.

All of Us Research Program, National Institutes of Health
Classification: Uncertain significance for BRCA2-related cancer predisposition. Last evaluated: 2024-05-30. Review status: criteria provided, single submitter. Criteria: ACMG Guidelines, 2015. Collection method: clinical testing. Allele origin: germline. Inheritance: Autosomal dominant inheritance. Observed: 1 variant allele, 1 heterozygote.
Comment: This missense variant replaces aspartic acid with glutamic acid at codon 1990 of the BRCA2 protein. Computational prediction suggests that this variant may not impact protein structure and function (internally defined REVEL score threshold <= 0.5, PMID: 27666373). Splice site prediction tools suggest that this variant may not impact RNA splicing. To our knowledge, functional studies have not been performed for this variant. This variant has not been reported in individuals affected with hereditary cancer in the literature. This variant has been identified in 2/250622 chromosomes in the general population by the Genome Aggregation Database (gnomAD). The available evidence is insufficient to determine the role of this variant in disease conclusively. Therefore, this variant is classified as a Variant of Uncertain Significance.

This study involves interpretation of variants in research participants for the purpose of population health screening. Participant phenotype was not available at the time of variant classification. Additional details can be found in publication PMID: 35346344, PMCID: PMC8962531

Color Diagnostics, LLC DBA Color Health
Classification: Uncertain significance for Hereditary cancer-predisposing syndrome. Last evaluated: 2024-05-14. Review status: criteria provided, single submitter. Criteria: ACMG Guidelines, 2015. Collection method: clinical testing. Allele origin: germline.
Comment: This missense variant replaces aspartic acid with glutamic acid at codon 1990 of the BRCA2 protein. Computational prediction suggests that this variant may not impact protein structure and function. To our knowledge, functional studies have not been reported for this variant. This variant has been reported in an individual affected with breast cancer (PMID: 35864222). This variant has been identified in 2/250622 chromosomes in the general population by the Genome Aggregation Database (gnomAD). The available evidence is insufficient to determine the role of this variant in disease conclusively. Therefore, this variant is classified as a Variant of Uncertain Significance.

University of Washington Department of Laboratory Medicine, University of Washington
Classification: Likely benign for Hereditary cancer-predisposing syndrome. Last evaluated: 2023-03-23. Review status: criteria provided, single submitter. Criteria: Dines et al. (Genet Med. 2020). Collection method: curation. Allele origin: germline.
Comment: Missense variant in a coldspot region where missense variants are very unlikely to be pathogenic (PMID:31911673).

BRCA2 exon 11 coldspot. Reclassification based on statistical prior probability.

Laboratory of Molecular Epidemiology of Birth Defects, West China Second University Hospital, Sichuan University
Classification: Benign for Ovarian cancer. Last evaluated: 2022-01-01. Review status: criteria provided, single submitter. Criteria: ACMG Guidelines, 2015. Collection method: clinical testing. Allele origin: germline. Affected: yes.

Department of Pathology and Laboratory Medicine, Sinai Health System
Classification: Uncertain significance for Familial cancer of breast; Breast-ovarian cancer, familial, susceptibility to, 2. Last evaluated: 2021-01-07. Review status: criteria provided, single submitter. Criteria: ACMG Guidelines, 2015. Collection method: clinical testing. Allele origin: germline. Affected: yes.

GeneDx
Classification: Uncertain significance. Last evaluated: 2015-09-18. Review status: criteria provided, single submitter. Criteria: GeneDx Variant Classification (06012015). Collection method: clinical testing. Allele origin: germline. Affected: yes.
Comment: This variant is denoted BRCA2 c.5970T>G at the cDNA level, p.Asp1990Glu (D1990E) at the protein level, and results in the change of an Aspartic Acid to a Glutamic Acid (GAT>GAG). Using alternate nomenclature, this variant would be defined as BRCA2 6198T>G. This variant has not, to our knowledge, been published in the literature as pathogenic or benign. BRCA2 Asp1990Glu was not observed in approximately 6,500 individuals of European and African American ancestry in the NHLBI Exome Sequencing Project, indicating it is not a common benign variant in these populations. Since Aspartic Acid and Glutamic Acid share similar properties, this is considered a conservative amino acid substitution. BRCA2 Asp1990Glu occurs at a position that is not conserved and is located in the BRC7 repeat and RAD51 binding domain (Roy 2012, UniProt). In silico analyses predict that this variant is unlikely to alter protein structure or function. Based on currently available information, it is unclear whether BRCA2 Asp1990Glu is pathogenic or benign. We consider it to be a variant of uncertain significance.

Literature cited by the submitters: PubMed 35864222 (cited by Ambry Genetics and Color Diagnostics, LLC DBA Color Health); PubMed 38509102 (cited by Ambry Genetics).

NM_000059.4(BRCA2):c.5970T>G (p.Asp1990Glu)

Gene: BRCA2 (BRCA2 DNA repair associated; plus strand). Cytogenetic location: 13q13.1.
Variant type: single nucleotide variant.
Coding change: c.5970T>G on transcript NM_000059.4 (MANE Select); coding-DNA position 5970, T replaced by G.
Protein change: p.Asp1990Glu; replaces aspartic acid 1990 with glutamic acid.
Molecular consequence: missense variant.
Genome position (GRCh38, 1-based): chr13:32,340,325, T>G. VCF-style: chr13-32340325-T-G. GRCh37 (hg19) VCF-style: chr13-32914462-T-G.
Other names: short protein forms D1990E.
Identifiers: ClinVar variation 419869 (VCV000419869.21), dbSNP rs1064794160, ClinGen allele CA16619734.